The following is an entry in ClinVar:

NM_002599.5(PDE2A):c.1125C>T (p.Thr375=)

Genes: PDE2A (phosphodiesterase 2A; minus strand), PDE2A-AS2 (PDE2A antisense RNA 2; plus strand). Cytogenetic location: 11q13.4.
Variant type: single nucleotide variant.
Coding change: c.1125C>T on transcript NM_002599.5 (MANE Select); coding-DNA position 1125, C replaced by T.
Protein change: p.Thr375=; no amino-acid change (threonine 375 retained).
Molecular consequence: synonymous variant.
Genome position (GRCh38, 1-based): chr11:72,586,127, G>A on the plus strand (C>T on the coding strand, the complement: PDE2A is on the minus strand). VCF-style: chr11-72586127-G-A. GRCh37 (hg19) VCF-style: chr11-72297171-G-A.
Other names: c.1104C>T, p.Thr368= (NM_001143839.4); c.1098C>T, p.Thr366= (NM_001146209.3); c.1062C>T, p.Thr354= (NM_001243784.2).
Identifiers: ClinVar variation 4280802 (VCV004280802.7).
Genomic context (GRCh38, chr11:72,586,127, plus strand): 5'-CACCTGGCACTCACACTTGAGTTTCTGTTCCTTCTGGAAGGCCAGGGTGCTGGTGAGCAC[G>A]GTGCTGGTGTAGTGGAAGCAGTGCTGGATCACATGCTCGTCCTCGTCGGTGAACCTGGAG-3'
Protein context (NP_002590.1, residues 365-385): VIQHCFHYTS[Thr375=]VLTSTLAFQK

ClinVar aggregate classification (germline): Likely benign (1 of 4 stars; one submission).

gnomAD v4.1: 31 of 1,613,218 alleles (0.0019%); highest among the groups gnomAD compares: Middle Eastern, 0.066%; no homozygotes.

Submission:

CeGaT Center for Human Genetics Tuebingen
Classification: Likely benign. Last evaluated: 2025-09-01. Review status: criteria provided, single submitter. Criteria: CeGaT Center For Human Genetics Tuebingen Variant Classification Criteria Version 2. Collection method: clinical testing. Allele origin: germline. Affected: yes. Observed: 1 variant allele.
Comment: PDE2A: BP4, BP7